The following is an entry in ClinVar:

ClinVar aggregate classification (germline): Uncertain significance (1 of 4 stars; one submission).

Allele frequency attached by ClinVar (database versions not stated): gnomAD exomes below 0.00001.

Submission:

Labcorp Genetics (formerly Invitae), Labcorp
Classification: Uncertain significance. Last evaluated: 2022-01-14. Review status: criteria provided, single submitter. Criteria: Invitae Variant Classification Sherloc (09022015). Collection method: clinical testing. Allele origin: germline.
Comment: In summary, the available evidence is currently insufficient to determine the role of this variant in disease. Therefore, it has been classified as a Variant of Uncertain Significance. Algorithms developed to predict the effect of missense changes on protein structure and function are either unavailable or do not agree on the potential impact of this missense change (SIFT: "Deleterious"; PolyPhen-2: "Probably Damaging"; Align-GVGD: "Class C0"). This variant has not been reported in the literature in individuals affected with OTULIN-related conditions. This variant is not present in population databases (gnomAD no frequency). This sequence change replaces serine, which is neutral and polar, with asparagine, which is neutral and polar, at codon 140 of the OTULIN protein (p.Ser140Asn).

NM_138348.6(OTULIN):c.419G>A (p.Ser140Asn)

Gene: OTULIN (OTU deubiquitinase with linear linkage specificity; plus strand). Cytogenetic location: 5p15.2.
Variant type: single nucleotide variant.
Coding change: c.419G>A on transcript NM_138348.6 (MANE Select); coding-DNA position 419, G replaced by A.
Protein change: p.Ser140Asn; replaces serine 140 with asparagine.
Molecular consequence: missense variant.
Genome position (GRCh38, 1-based): chr5:14,681,558, G>A. VCF-style: chr5-14681558-G-A. GRCh37 (hg19) VCF-style: chr5-14681667-G-A.
Other names: short protein forms S140N.
Identifiers: ClinVar variation 1419978 (VCV001419978.8), dbSNP rs2126311801, ClinGen allele CA359243013.
Genomic context (GRCh38, chr5:14,681,558, plus strand): 5'-TACGGCGAGTCCGTGGTGATAATTACTGTGCACTGAGGGCCACGCTGTTCCAGGCCATGA[G>A]CCAGGCTGTGGGGCTGCCGCCCTGGCTGCAGGACCCGGAGCTCATGCTGGTACGCTGCTG-3'
Protein context (NP_612357.4, residues 130-150): ALRATLFQAM[Ser140Asn]QAVGLPPWLQ